The following is an entry in ClinVar:

NM_021620.4(PRDM13):c.1664G>T (p.Gly555Val)

Gene: PRDM13 (PR/SET domain 13; plus strand). Cytogenetic location: 6q16.2.
Variant type: single nucleotide variant.
Coding change: c.1664G>T on transcript NM_021620.4 (MANE Select); coding-DNA position 1664, G replaced by T.
Protein change: p.Gly555Val; replaces glycine 555 with valine.
Molecular consequence: missense variant.
Genome position (GRCh38, 1-based): chr6:99,614,299, G>T. VCF-style: chr6-99614299-G-T. GRCh37 (hg19) VCF-style: chr6-100062175-G-T.
Other names: short protein forms G555V.
Identifiers: ClinVar variation 1923847 (VCV001923847.5), dbSNP rs959439904, ClinGen allele CA143976097.
Genomic context (GRCh38, chr6:99,614,299, plus strand): 5'-GGAAGGGTCGCGGACGCCTGGACTCGGGGACGTTGCCACCGGCCGTCGCGGCGGCGGGAG[G>T]CACCGGGGGCGGCGGCAGCGGAGGCAGCGGCGCAGGTAAGCCCAAGACCGGCCACCTGTG-3'
Protein context (NP_067633.2, residues 545-565): TLPPAVAAAG[Gly555Val]TGGGGSGGSG

ClinVar aggregate classification (germline): Uncertain significance (1 of 4 stars; one submission).

Allele frequency attached by ClinVar (database versions not stated): gnomAD exomes below 0.00001; gnomAD 0.00003; TOPMed 0.00004.

Submission:

Labcorp Genetics (formerly Invitae), Labcorp
Classification: Uncertain significance. Last evaluated: 2024-11-18. Review status: criteria provided, single submitter. Criteria: Invitae Variant Classification Sherloc (09022015). Collection method: clinical testing. Allele origin: germline.
Comment: This sequence change replaces glycine, which is neutral and non-polar, with valine, which is neutral and non-polar, at codon 555 of the PRDM13 protein (p.Gly555Val). This variant is present in population databases (no rsID available, gnomAD 0.02%). This variant has not been reported in the literature in individuals affected with PRDM13-related conditions. ClinVar contains an entry for this variant (Variation ID: 1923847). An algorithm developed to predict the effect of missense changes on protein structure and function (PolyPhen-2) suggests that this variant is likely to be tolerated. In summary, the available evidence is currently insufficient to determine the role of this variant in disease. Therefore, it has been classified as a Variant of Uncertain Significance.